The following is an entry in ClinVar:

NM_001267550.2(TTN):c.100642T>C (p.Phe33548Leu)

Genes: TTN (titin; minus strand), TTN-AS1 (TTN antisense RNA 1; plus strand). Cytogenetic location: 2q31.2.
Variant type: single nucleotide variant.
Coding change: c.100642T>C on transcript NM_001267550.2 (MANE Select); coding-DNA position 100642, T replaced by C.
Protein change: p.Phe33548Leu; replaces phenylalanine 33548 with leucine.
Molecular consequence: missense variant.
Genome position (GRCh38, 1-based): chr2:178,536,105, A>G on the plus strand (T>C on the coding strand, the complement: TTN is on the minus strand). VCF-style: chr2-178536105-A-G. GRCh37 (hg19) VCF-style: chr2-179400832-A-G.
Other names: c.95719T>C, p.Phe31907Leu (NM_001256850.1); c.73447T>C, p.Phe24483Leu (NM_003319.4); c.92938T>C, p.Phe30980Leu (NM_133378.4); c.73822T>C, p.Phe24608Leu (NM_133432.3); c.74023T>C, p.Phe24675Leu (NM_133437.4); short protein forms F24483L, F33548L, F31907L, F24608L, F24675L, F30980L.
Identifiers: ClinVar variation 519033 (VCV000519033.41), dbSNP rs773561397, ClinGen allele CA1986011.

ClinVar aggregate classification (germline): Conflicting classifications of pathogenicity. Review status: criteria provided, conflicting classifications (1 of 4 stars). 9 submissions from 9 submitters: Uncertain significance (4); Likely benign (3). 2 of the submissions do not count toward it. Last evaluated 2025-04-09.

Conditions:
Cardiovascular phenotype. Identifiers: MedGen CN230736.

Allele frequency attached by ClinVar (database versions not stated): gnomAD 0.00001 and 0.00003; TOPMed 0.00003; ExAC 0.00004; gnomAD exomes 0.00004.
gnomAD v4.1: 59 of 1,612,466 alleles (0.0037%); highest among the groups gnomAD compares: Middle Eastern, 0.033%; 1 homozygote.

Submissions (9):

Molecular Diagnostic Laboratory for Inherited Cardiovascular Disease, Montreal Heart Institute
Classification: Likely benign. Last evaluated: 2025-04-09. Review status: criteria provided, single submitter. Criteria: ACMG Guidelines, 2015. Collection method: clinical testing. Allele origin: germline. Affected: no.

CeGaT Center for Human Genetics Tuebingen
Classification: Uncertain significance. Last evaluated: 2024-01-01. Review status: criteria provided, single submitter. Criteria: CeGaT Center For Human Genetics Tuebingen Variant Classification Criteria Version 2. Collection method: clinical testing. Allele origin: germline. Affected: yes. Observed: 1 variant allele.
Comment: TTN: PM2, BP1

Revvity Omics, Revvity
Classification: Uncertain significance. Last evaluated: 2023-03-23. Review status: criteria provided, single submitter. Criteria: ACMG Guidelines, 2015. Collection method: clinical testing. Allele origin: germline.

Blueprint Genetics
Classification: Likely benign. Last evaluated: 2020-08-20. Review status: criteria provided, single submitter. Criteria: ACMG Guidelines, 2015. Collection method: clinical testing. Allele origin: germline.

GeneDx
Classification: Likely benign. Last evaluated: 2020-06-05. Review status: criteria provided, single submitter. Criteria: GeneDx Variant Classification Process June 2021. Collection method: clinical testing. Allele origin: germline. Affected: yes.

Mayo Clinic Laboratories, Mayo Clinic
Classification: Uncertain significance. Last evaluated: 2020-01-02. Review status: criteria provided, single submitter. Criteria: ACMG Guidelines, 2015. Collection method: clinical testing. Allele origin: germline. Observed: 1 variant allele.

Ambry Genetics
Classification: Uncertain significance for Cardiovascular phenotype. Last evaluated: 2017-09-13. Review status: criteria provided, single submitter. Criteria: Ambry Variant Classification Scheme 2023. Collection method: clinical testing. Allele origin: germline.
Comment: The p.F24483L variant (also known as c.73447T>C), located in coding exon 184 of the TTN gene, results from a T to C substitution at nucleotide position 73447. The phenylalanine at codon 24483 is replaced by leucine, an amino acid with highly similar properties. This amino acid position is highly conserved in available vertebrate species. In addition, this alteration is predicted to be tolerated by in silico analysis. Since supporting evidence is limited at this time, the clinical significance of this alteration remains unclear.

Clinical Genetics, Academic Medical Center
Classification: Uncertain significance. Review status: no assertion criteria provided. Collection method: clinical testing. Allele origin: germline. Affected: yes. Study: VKGL Data-share Consensus. Not counted in ClinVar's aggregate classification.

Laboratory of Diagnostic Genome Analysis, Leiden University Medical Center (LUMC)
Classification: Uncertain significance. Review status: no assertion criteria provided. Collection method: clinical testing. Allele origin: germline. Affected: yes. Study: VKGL Data-share Consensus. Not counted in ClinVar's aggregate classification.